The following is an entry in ClinVar:

NM_000548.5(TSC2):c.4187A>G (p.Asp1396Gly)

Gene: TSC2 (TSC complex subunit 2; plus strand). Cytogenetic location: 16p13.3.
Variant type: single nucleotide variant.
Coding change: c.4187A>G on transcript NM_000548.5 (MANE Select); coding-DNA position 4187, A replaced by G.
Protein change: p.Asp1396Gly; replaces aspartic acid 1396 with glycine.
Molecular consequence: missense variant. On other transcripts: non-coding transcript variant (5).
Genome position (GRCh38, 1-based): chr16:2,084,409, A>G. VCF-style: chr16-2084409-A-G. GRCh37 (hg19) VCF-style: chr16-2134410-A-G.
Other names: c.4058A>G, p.Asp1353Gly (NM_021055.3, NM_001370405.1); c.3986A>G, p.Asp1329Gly (NM_001077183.3); c.4118A>G, p.Asp1373Gly (NM_001114382.3); c.3878A>G, p.Asp1293Gly (NM_001318827.2); c.3842A>G, p.Asp1281Gly (NM_001318829.2); c.3455A>G, p.Asp1152Gly (NM_001318831.2); c.4019A>G, p.Asp1340Gly (NM_001318832.2); c.3989A>G, p.Asp1330Gly (NM_001363528.2); and 26 more; short protein forms D1173G, D1176G, D1281G, D1292G, D1359G, D1360G, D1372G, D795G.
Identifiers: ClinVar variation 3637233 (VCV003637233.2).

ClinVar aggregate classification (germline): Uncertain significance (1 of 4 stars; one submission).

Conditions:
Tuberous sclerosis 2 (TSC2). Identifiers: Orphanet 805, MedGen C1860707, MONDO:0013199, OMIM 613254.

Submission:

Labcorp Genetics (formerly Invitae), Labcorp
Classification: Uncertain significance for Tuberous sclerosis 2. Last evaluated: 2024-08-29. Review status: criteria provided, single submitter. Criteria: Invitae Variant Classification Sherloc (09022015). Collection method: clinical testing. Allele origin: germline.
Comment: This sequence change replaces aspartic acid, which is acidic and polar, with glycine, which is neutral and non-polar, at codon 1396 of the TSC2 protein (p.Asp1396Gly). This variant is not present in population databases (gnomAD no frequency). This variant has not been reported in the literature in individuals affected with TSC2-related conditions. Invitae Evidence Modeling of protein sequence and biophysical properties (such as structural, functional, and spatial information, amino acid conservation, physicochemical variation, residue mobility, and thermodynamic stability) indicates that this missense variant is not expected to disrupt TSC2 protein function with a negative predictive value of 95%. In summary, the available evidence is currently insufficient to determine the role of this variant in disease. Therefore, it has been classified as a Variant of Uncertain Significance.